The following is an entry in ClinVar:

NM_001372078.1(REV3L):c.1101C>T (p.His367=)

Gene: REV3L (REV3 like, DNA directed polymerase zeta catalytic subunit; minus strand). Cytogenetic location: 6q21.
Variant type: single nucleotide variant.
Coding change: c.1101C>T on transcript NM_001372078.1 (MANE Select); coding-DNA position 1101, C replaced by T.
Protein change: p.His367=; no amino-acid change (histidine 367 retained).
Molecular consequence: synonymous variant.
Genome position (GRCh38, 1-based): chr6:111,381,440, G>A on the plus strand (C>T on the coding strand, the complement: REV3L is on the minus strand). VCF-style: chr6-111381440-G-A. GRCh37 (hg19) VCF-style: chr6-111702643-G-A.
Other names: c.867C>T, p.His289= (NM_001286431.2, NM_001286432.2); c.1101C>T, p.His367= (NM_002912.5).
Identifiers: ClinVar variation 727063 (VCV000727063.17), dbSNP rs142867821, ClinGen allele CA3962640.

ClinVar aggregate classification (germline): Likely benign. Review status: criteria provided, multiple submitters, no conflicts (2 of 4 stars). 3 submissions from 3 submitters: Likely benign (3). Last evaluated 2024-09-01.

Allele frequency attached by ClinVar (database versions not stated): ExAC 0.00009; gnomAD exomes 0.00010 and 0.00011; TOPMed 0.00011; ESP Exome Variant Server 0.00015; gnomAD 0.00017.
gnomAD v4.1: 190 of 1,605,216 alleles (0.012%); highest among the groups gnomAD compares: Non-Finnish European, 0.015%; no homozygotes.

Submissions (3):

CeGaT Center for Human Genetics Tuebingen
Classification: Likely benign. Last evaluated: 2024-09-01. Review status: criteria provided, single submitter. Criteria: CeGaT Center For Human Genetics Tuebingen Variant Classification Criteria Version 2. Collection method: clinical testing. Allele origin: germline. Affected: yes. Observed: 1 variant allele.
Comment: REV3L: BP4, BP7

Labcorp Genetics (formerly Invitae), Labcorp
Classification: Likely benign. Last evaluated: 2018-12-18. Review status: criteria provided, single submitter. Criteria: Invitae Variant Classification Sherloc (09022015). Collection method: clinical testing. Allele origin: germline.

Breakthrough Genomics
Classification: Likely benign. Review status: criteria provided, single submitter. Criteria: ACMG Guidelines, 2015. Collection method: not provided. Allele origin: germline. Inheritance: Unknown mechanism. Affected: yes.